The following is an entry in ClinVar:

ClinVar aggregate classification (germline): Conflicting classifications of pathogenicity. Review status: criteria provided, conflicting classifications (1 of 4 stars). 5 submissions from 5 submitters: Uncertain significance (1); Benign (2); Likely benign (2). Last evaluated 2025-12-29.

Conditions:
MYH14-related disorder. Also called: MYH14-related condition.

Allele frequency attached by ClinVar (database versions not stated): gnomAD exomes 0.00008 and 0.00019; ExAC 0.00026; ESP Exome Variant Server 0.00069; gnomAD 0.00079 and 0.00083; TOPMed 0.00085; 1000 Genomes Project 0.00100; 1000 Genomes Project 30x 0.00141.

Submissions (5):

Labcorp Genetics (formerly Invitae), Labcorp
Classification: Benign. Last evaluated: 2025-12-29. Review status: criteria provided, single submitter. Criteria: Invitae Variant Classification Sherloc (09022015). Collection method: clinical testing. Allele origin: germline.

PreventionGenetics, part of Exact Sciences
Classification: Likely benign for MYH14-related condition. Last evaluated: 2025-02-06. Review status: criteria provided, single submitter. Criteria: ACMG Guidelines, 2015. Collection method: clinical testing. Allele origin: germline.
Comment: This variant is classified as likely benign based on ACMG/AMP sequence variant interpretation guidelines (Richards et al. 2015 PMID: 25741868, with internal and published modifications).

Mayo Clinic Laboratories, Mayo Clinic
Classification: Benign. Last evaluated: 2024-10-11. Review status: criteria provided, single submitter. Criteria: ACMG Guidelines, 2015. Collection method: clinical testing. Allele origin: germline. Observed: 1 variant allele.
Comment: BS1, BS2, BP4, BP7

GeneDx
Classification: Likely benign. Last evaluated: 2021-04-08. Review status: criteria provided, single submitter. Criteria: GeneDx Variant Classification Process June 2021. Collection method: clinical testing. Allele origin: germline. Affected: yes.

Eurofins Ntd Llc (ga)
Classification: Uncertain significance. Last evaluated: 2017-01-19. Review status: criteria provided, single submitter. Criteria: EGL Classification Definitions 2015. Collection method: clinical testing. Allele origin: germline. Observed: 1 variant allele, 1 heterozygote.

NM_001145809.2(MYH14):c.615G>A (p.Thr205=)

Gene: MYH14 (myosin heavy chain 14; plus strand). Cytogenetic location: 19q13.33.
Variant type: single nucleotide variant.
Coding change: c.615G>A on transcript NM_001145809.2 (MANE Select); coding-DNA position 615, G replaced by A.
Protein change: p.Thr205=; no amino-acid change (threonine 205 retained).
Molecular consequence: synonymous variant.
Genome position (GRCh38, 1-based): chr19:50,223,271, G>A. VCF-style: chr19-50223271-G-A. GRCh37 (hg19) VCF-style: chr19-50726528-G-A.
Other names: p.Thr205=; c.615G>A, p.Thr205= (NM_001077186.2, NM_024729.4); c.615G>A (NM_001145809.1).
Identifiers: ClinVar variation 499477 (VCV000499477.16), dbSNP rs199921330, ClinGen allele CA9592330.